The following is an entry in ClinVar:

ClinVar aggregate classification (germline): Benign/Likely benign. Review status: criteria provided, multiple submitters, no conflicts (2 of 4 stars). 2 submissions from 2 submitters: Benign (1); Likely benign (1). Last evaluated 2025-03-04.

Conditions:
Pheochromocytoma/paraganglioma syndrome 5. Also called: Paragangliomas 5; SDHA-Related Hereditary Paraganglioma-Pheochromocytoma Syndrome. Identifiers: Orphanet 29072, MedGen C3279992, MONDO:0013602, OMIM 614165.
Mitochondrial complex II deficiency, nuclear type 1. Also called: SUCCINATE CoQ REDUCTASE DEFICIENCY. Identifiers: Orphanet 3208, MedGen C5700310, MONDO:0100294, OMIM 252011.

Submissions (2):

Myriad Genetics, Inc.
Classification: Benign for Pheochromocytoma/paraganglioma syndrome 5. Last evaluated: 2025-03-04. Review status: criteria provided, single submitter. Criteria: Myriad Autosomal Dominant, Autosomal Recessive and X-Linked Classification Criteria (2023). Collection method: clinical testing. Allele origin: unknown.
Comment: This variant is considered benign. This variant is a silent/synonymous amino acid change and it is not expected to impact splicing.

Labcorp Genetics (formerly Invitae), Labcorp
Classification: Likely benign for Pheochromocytoma/paraganglioma syndrome 5; Mitochondrial complex II deficiency, nuclear type 1. Last evaluated: 2024-09-19. Review status: criteria provided, single submitter. Criteria: Invitae Variant Classification Sherloc (09022015). Collection method: clinical testing. Allele origin: germline.

NM_004168.4(SDHA):c.936T>C (p.Arg312=)

Gene: SDHA (succinate dehydrogenase complex flavoprotein subunit A; plus strand). Cytogenetic location: 5p15.33.
Variant type: single nucleotide variant.
Coding change: c.936T>C on transcript NM_004168.4 (MANE Select); coding-DNA position 936, T replaced by C.
Protein change: p.Arg312=; no amino-acid change (arginine 312 retained).
Molecular consequence: synonymous variant.
Genome position (GRCh38, 1-based): chr5:233,517, T>C. VCF-style: chr5-233517-T-C. GRCh37 (hg19) VCF-style: chr5-233632-T-C.
Other names: c.792T>C, p.Arg264= (NM_001294332.2); c.936T>C, p.Arg312= (NM_001330758.2).
Identifiers: ClinVar variation 3758986 (VCV003758986.3).